The following is an entry in ClinVar:

NM_001040142.2(SCN2A):c.4337A>G (p.Asn1446Ser)

Gene: SCN2A (sodium voltage-gated channel alpha subunit 2; plus strand). Cytogenetic location: 2q24.3.
Variant type: single nucleotide variant.
Coding change: c.4337A>G on transcript NM_001040142.2 (MANE Select); coding-DNA position 4337, A replaced by G.
Protein change: p.Asn1446Ser; replaces asparagine 1446 with serine.
Molecular consequence: missense variant.
Genome position (GRCh38, 1-based): chr2:165,380,620, A>G. VCF-style: chr2-165380620-A-G. GRCh37 (hg19) VCF-style: chr2-166237130-A-G.
Other names: c.4337A>G, p.Asn1446Ser (NM_001040143.2, NM_001371246.1, NM_001371247.1 and 1 more transcripts); short protein forms N1446S.
Identifiers: ClinVar variation 2189365 (VCV002189365.6), dbSNP rs768084127, ClinGen allele CA1940268.

ClinVar aggregate classification (germline): Uncertain significance. Review status: criteria provided, multiple submitters, no conflicts (2 of 4 stars). 2 submissions from 2 submitters: Uncertain significance (2). Last evaluated 2026-04-01.

Conditions:
Seizures, benign familial infantile, 3 (BFIS3). Also called: CONVULSIONS, BENIGN FAMILIAL INFANTILE, 3; Familial neonatal seizures. Identifiers: Orphanet 140927, Orphanet 306, MedGen C1843140, MONDO:0011904, OMIM 607745.
Developmental and epileptic encephalopathy, 11 (DEE11). Also called: Early infantile epileptic encephalopathy 11. Identifiers: Orphanet 1934, MedGen C3150987, MONDO:0013388, OMIM 613721.

Allele frequency attached by ClinVar (database versions not stated): gnomAD exomes below 0.00001; ExAC 0.00001.
gnomAD v4.1: 6 of 1,583,928 alleles (0.00038%); highest among the groups gnomAD compares: Middle Eastern, 0.017%; no homozygotes.

Submissions (2):

CeGaT Center for Human Genetics Tuebingen
Classification: Uncertain significance. Last evaluated: 2026-04-01. Review status: criteria provided, single submitter. Criteria: CeGaT Center For Human Genetics Tuebingen Variant Classification Criteria Version 2. Collection method: clinical testing. Allele origin: germline. Affected: yes. Observed: 1 variant allele.
Comment: SCN2A: PM2:Supporting, PP2

Labcorp Genetics (formerly Invitae), Labcorp
Classification: Uncertain significance for Seizures, benign familial infantile, 3; Developmental and epileptic encephalopathy, 11. Last evaluated: 2024-03-16. Review status: criteria provided, single submitter. Criteria: Invitae Variant Classification Sherloc (09022015). Collection method: clinical testing. Allele origin: germline.
Comment: This sequence change replaces asparagine, which is neutral and polar, with serine, which is neutral and polar, at codon 1446 of the SCN2A protein (p.Asn1446Ser). The frequency data for this variant in the population databases is considered unreliable, as metrics indicate poor data quality at this position in the gnomAD database. This variant has not been reported in the literature in individuals affected with SCN2A-related conditions. ClinVar contains an entry for this variant (Variation ID: 2189365). Advanced modeling of protein sequence and biophysical properties (such as structural, functional, and spatial information, amino acid conservation, physicochemical variation, residue mobility, and thermodynamic stability) has been performed at Invitae for this missense variant, however the output from this modeling did not meet the statistical confidence thresholds required to predict the impact of this variant on SCN2A protein function. In summary, the available evidence is currently insufficient to determine the role of this variant in disease. Therefore, it has been classified as a Variant of Uncertain Significance.